The following is an entry in ClinVar:

NM_006612.6(KIF1C):c.3187C>A (p.Gln1063Lys)

Gene: KIF1C (kinesin family member 1C; plus strand). Cytogenetic location: 17p13.2.
Variant type: single nucleotide variant.
Coding change: c.3187C>A on transcript NM_006612.6 (MANE Select); coding-DNA position 3187, C replaced by A.
Protein change: p.Gln1063Lys; replaces glutamine 1063 with lysine.
Molecular consequence: missense variant.
Genome position (GRCh38, 1-based): chr17:5,024,026, C>A. VCF-style: chr17-5024026-C-A. GRCh37 (hg19) VCF-style: chr17-4927321-C-A.
Other names: short protein forms Q1063K.
Identifiers: ClinVar variation 4534056 (VCV004534056.6).

ClinVar aggregate classification (germline): Uncertain significance (1 of 4 stars; one submission).

gnomAD v4.1: 63 of 1,595,436 alleles (0.0039%); highest among the groups gnomAD compares: African/African-American, 0.0054%; no homozygotes.

Submission:

CeGaT Center for Human Genetics Tuebingen
Classification: Uncertain significance. Last evaluated: 2025-10-01. Review status: criteria provided, single submitter. Criteria: CeGaT Center For Human Genetics Tuebingen Variant Classification Criteria Version 2. Collection method: clinical testing. Allele origin: germline. Affected: yes. Observed: 1 variant allele.
Comment: KIF1C: PM2:Supporting